The following is an entry in ClinVar:

NM_021076.4(NEFH):c.1446G>A (p.Glu482=)

Gene: NEFH (neurofilament heavy chain; plus strand). Cytogenetic location: 22q12.2.
Variant type: single nucleotide variant.
Coding change: c.1446G>A on transcript NM_021076.4 (MANE Select); coding-DNA position 1446, G replaced by A.
Protein change: p.Glu482=; no amino-acid change (glutamic acid 482 retained).
Molecular consequence: synonymous variant.
Genome position (GRCh38, 1-based): chr22:29,489,086, G>A. VCF-style: chr22-29489086-G-A. GRCh37 (hg19) VCF-style: chr22-29885075-G-A.
Other names: p.Glu482=.
Identifiers: ClinVar variation 775450 (VCV000775450.13), dbSNP rs5997482, ClinGen allele CA10174210.
Genomic context (GRCh38, chr22:29,489,086, plus strand): 5'-GGAGACCCAAGTGACTGAAGAAGTGACTGAAGAAGAGGAGAAAGAGGCCAAAGAGGAGGA[G>A]GGCAAGGAGGAAGAAGGGGGTGAAGAAGAGGAGGCAGAAGGGGGAGAAGAAGAAACAAAG-3'
Protein context (NP_066554.2, residues 472-492): EEEEKEAKEE[Glu482=]GKEEEGGEEE

ClinVar aggregate classification (germline): Benign/Likely benign. Review status: criteria provided, multiple submitters, no conflicts (2 of 4 stars). 4 submissions from 4 submitters: Benign (2); Likely benign (2). Last evaluated 2026-02-01.

Allele frequency attached by ClinVar (database versions not stated): gnomAD exomes 0.00099 and 0.00248; ExAC 0.00326; gnomAD 0.00876 and 0.00929; ESP Exome Variant Server 0.00877; TOPMed 0.00955; 1000 Genomes Project 0.00998; 1000 Genomes Project 30x 0.01077.

Submissions (4):

Labcorp Genetics (formerly Invitae), Labcorp
Classification: Benign. Last evaluated: 2026-02-01. Review status: criteria provided, single submitter. Criteria: Invitae Variant Classification Sherloc (09022015). Collection method: clinical testing. Allele origin: germline.

Mayo Clinic Laboratories, Mayo Clinic
Classification: Benign. Last evaluated: 2023-04-03. Review status: criteria provided, single submitter. Criteria: ACMG Guidelines, 2015. Collection method: clinical testing. Allele origin: germline. Observed: 5 variant alleles.
Comment: BS1, BS2, BP4, BP7

GeneDx
Classification: Likely benign. Last evaluated: 2021-09-06. Review status: criteria provided, single submitter. Criteria: GeneDx Variant Classification Process June 2021. Collection method: clinical testing. Allele origin: germline. Affected: yes.

Breakthrough Genomics
Classification: Likely benign. Review status: criteria provided, single submitter. Criteria: ACMG Guidelines, 2015. Collection method: not provided. Allele origin: germline. Inheritance: Autosomal recessive inheritance. Affected: yes.